The following is an entry in ClinVar:

NC_000022.10:g.(?_24143125)_(24176373_?)dup

Gene: SMARCB1 (SWI/SNF related BAF chromatin remodeling complex subunit B1; plus strand). Cytogenetic location: 22q11.23.
Variant type: Duplication.
Identifiers: ClinVar variation 464318 (VCV000464318.1).

ClinVar aggregate classification (germline): Uncertain significance (1 of 4 stars; one submission).

Conditions:
Rhabdoid tumor predisposition syndrome 1 (RTPS1). Also called: Familial Posterior Fossa Brain Tumor of Infancy. Identifiers: Orphanet 231108, Orphanet 69077, MedGen C1836327, MONDO:0012252, OMIM 609322.

Submission:

Labcorp Genetics (formerly Invitae), Labcorp
Classification: Uncertain significance for Rhabdoid tumor predisposition syndrome 1. Last evaluated: 2017-07-25. Review status: criteria provided, single submitter. Criteria: Invitae Variant Classification Sherloc (09022015). Collection method: clinical testing. Allele origin: germline.
Comment: This variant is a gross duplication of the genomic region encompassing exons 4-9 of the SMARCB1 gene. The 5' boundary is likely confined to intron 3. The 3' end of this event is unknown as it extends beyond the assayed region for this gene and therefore may encompass additional genes. The exact location of this variant in the genome is unknown. This variant has not been reported in the literature in individuals with SMARCB1-related disease. Experimental studies and prediction algorithms are not available for this variant, and the functional significance of the duplicated sequence is currently unknown. In summary, the available evidence is currently insufficient to determine the role of this variant in disease. Therefore, it has been classified as a Variant of Uncertain Significance.